The following is an entry in ClinVar:

ClinVar aggregate classification (somatic clinical impact): Tier I - Strong (1 of 4 stars; one submission).

Conditions:
Medulloblastoma WNT activated. Identifiers: MedGen C4331965, MONDO:0850196.

Submission:

Institute for Genomic Medicine (IGM) Clinical Laboratory, Nationwide Children's Hospital
Classification: Tier I - Strong for Medulloblastoma WNT activated. Assertion type: diagnostic. Clinical significance: supports diagnosis. Last evaluated: 2024-10-11. Review status: criteria provided, single submitter. Criteria: AMP/ASCO/CAP Guidelines, 2017. Collection method: clinical testing. Allele origin: somatic. Affected: yes.
Comment: Variant has Tier I (strong) clinical significance as a diagnostic inclusion criterion in medulloblastoma WNT activated, based on the following evidence: 1) Appears in one or more well-established professional guidelines (e.g., World Health Organization [WHO]; National Comprehensive Cancer Network [NCCN]) as providing diagnostic, prognostic, or therapeutic information. 2) Information in the literature supports potential biologic effect of variant (PMID: 33627125). 3) Diagnostic for a specific tumor type/classification based on well-powered studies with expert-level consensus (Evidence Level B; PMIDs: 27058758, 32553121, 33460649, 22722829).

Literature cited by the submitters: PubMed 33627125; PubMed 27058758; PubMed 32553121; PubMed 33460649; PubMed 22722829.

NM_001356.5(DDX3X):c.1463G>T (p.Arg488Leu)

Gene: DDX3X (DEAD-box helicase 3 X-linked; plus strand). Cytogenetic location: Xp11.4.
Variant type: single nucleotide variant.
Coding change: c.1463G>T on transcript NM_001356.5 (MANE Select); coding-DNA position 1463, G replaced by T.
Protein change: p.Arg488Leu; replaces arginine 488 with leucine.
Molecular consequence: missense variant. On other transcripts: non-coding transcript variant (1).
Genome position (GRCh38, 1-based): chrX:41,346,376, G>T. VCF-style: chrX-41346376-G-T. GRCh37 (hg19) VCF-style: chrX-41205629-G-T.
Other names: c.1463G>T, p.Arg488Leu (NM_001193416.3); c.1415G>T, p.Arg472Leu (NM_001193417.3); c.905G>T, p.Arg302Leu (NM_001363819.1); short protein forms R302L, R472L, R488L.
Identifiers: ClinVar variation 4530081 (VCV004530081.1).